The following is an entry in ClinVar:

ClinVar aggregate classification (germline): Likely benign. Review status: criteria provided, multiple submitters, no conflicts (2 of 4 stars). 2 submissions from 2 submitters: Likely benign (2). Last evaluated 2025-12-29.

Conditions:
Epidermolysis bullosa simplex 3, localized or generalized intermediate, with BP230 deficiency (EBS3). Also called: Epidermolysis bullosa simplex due to BP230 deficiency; Epidermolysis bullosa simplex, autosomal recessive 2. Identifiers: Orphanet 412181, MedGen C3809470, MONDO:0014180, OMIM 615425.
Hereditary sensory and autonomic neuropathy type 6. Also called: Neuropathy, hereditary sensory and autonomic, type VI; HSAN VI. Identifiers: Orphanet 314381, MedGen C3539003, MONDO:0013839, OMIM 614653.
DST-related disorder. Also called: DST-related disorders; DST-related condition.

Allele frequency attached by ClinVar (database versions not stated): gnomAD 0.00005 and 0.00008; TOPMed 0.00012; ExAC 0.00016; gnomAD exomes 0.00019; 1000 Genomes Project 0.00060; 1000 Genomes Project 30x 0.00062.
gnomAD v4.1: 89 of 1,613,264 alleles (0.0055%); highest among the groups gnomAD compares: East Asian, 0.19%; no homozygotes.

Submissions (2):

PreventionGenetics, part of Exact Sciences
Classification: Likely benign for DST-related condition. Last evaluated: 2025-12-29. Review status: criteria provided, single submitter. Criteria: ACMG Guidelines, 2015. Collection method: clinical testing. Allele origin: germline.
Comment: This variant is classified as likely benign based on ACMG/AMP sequence variant interpretation guidelines (Richards et al. 2015 PMID: 25741868, with internal and published modifications).

Labcorp Genetics (formerly Invitae), Labcorp
Classification: Likely benign for Epidermolysis bullosa simplex 3, localized or generalized intermediate, with BP230 deficiency; Hereditary sensory and autonomic neuropathy type 6. Last evaluated: 2025-04-10. Review status: criteria provided, single submitter. Criteria: Invitae Variant Classification Sherloc (09022015). Collection method: clinical testing. Allele origin: germline.

NM_001374736.1(DST):c.14094G>T (p.Met4698Ile)

Gene: DST (dystonin; minus strand). Cytogenetic location: 6p12.1.
Variant type: single nucleotide variant.
Coding change: c.14094G>T on transcript NM_001374736.1 (MANE Select); coding-DNA position 14094, G replaced by T.
Protein change: p.Met4698Ile; replaces methionine 4698 with isoleucine.
Molecular consequence: missense variant.
Genome position (GRCh38, 1-based): chr6:56,561,524, C>A on the plus strand (G>T on the coding strand, the complement: DST is on the minus strand). VCF-style: chr6-56561524-C-A. GRCh37 (hg19) VCF-style: chr6-56426322-C-A.
Other names: c.7737G>T, p.Met2579Ile (NM_001144769.5); c.7323G>T, p.Met2441Ile (NM_001144770.2); c.14094G>T, p.Met4698Ile (NM_001374722.1); c.13461G>T, p.Met4487Ile (NM_001374729.1); c.7203G>T, p.Met2401Ile (NM_001374730.1, NM_001386100.1, NM_183380.4); c.14121G>T, p.Met4707Ile (NM_001374734.1); c.6225G>T, p.Met2075Ile (NM_015548.5); c.7737G>T (NM_001144769.2); short protein forms M2075I, M2401I, M2441I, M2579I, M4487I, M4698I, M4707I.
Identifiers: ClinVar variation 1154385 (VCV001154385.10), dbSNP rs184352375, ClinGen allele CA3868095.